The following is an entry in ClinVar:

NM_001035.3(RYR2):c.50A>G (p.Asp17Gly)

Gene: RYR2 (ryanodine receptor 2; plus strand). Cytogenetic location: 1q43.
Variant type: single nucleotide variant.
Coding change: c.50A>G on transcript NM_001035.3 (MANE Select); coding-DNA position 50, A replaced by G.
Protein change: p.Asp17Gly; replaces aspartic acid 17 with glycine.
Molecular consequence: missense variant.
Genome position (GRCh38, 1-based): chr1:237,270,498, A>G. VCF-style: chr1-237270498-A-G. GRCh37 (hg19) VCF-style: chr1-237433798-A-G.
Other names: short protein forms D17G.
Identifiers: ClinVar variation 2194969 (VCV002194969.1), dbSNP rs1689570949, ClinGen allele CA345654258.

ClinVar aggregate classification (germline): Uncertain significance (1 of 4 stars; one submission).

Conditions:
Catecholaminergic polymorphic ventricular tachycardia 1. Also called: VENTRICULAR TACHYCARDIA, CATECHOLAMINERGIC POLYMORPHIC, 1, WITH OR WITHOUT ATRIAL DYSFUNCTION AND/OR DILATED CARDIOMYOPATHY; RYR2-Related Catecholaminergic Polymorphic Ventricular Tachycardia; VENTRICULAR TACHYCARDIA, STRESS-INDUCED POLYMORPHIC 1. Identifiers: Orphanet 3286, MedGen C1631597, MONDO:0011484, OMIM 604772.

Allele frequency attached by ClinVar (database versions not stated): TOPMed below 0.00001.

Submission:

Labcorp Genetics (formerly Invitae), Labcorp
Classification: Uncertain significance for Catecholaminergic polymorphic ventricular tachycardia 1. Last evaluated: 2022-04-22. Review status: criteria provided, single submitter. Criteria: Invitae Variant Classification Sherloc (09022015). Collection method: clinical testing. Allele origin: germline.
Comment: This sequence change replaces aspartic acid, which is acidic and polar, with glycine, which is neutral and non-polar, at codon 17 of the RYR2 protein (p.Asp17Gly). This variant is not present in population databases (gnomAD no frequency). This variant has not been reported in the literature in individuals affected with RYR2-related conditions. Algorithms developed to predict the effect of missense changes on protein structure and function are either unavailable or do not agree on the potential impact of this missense change (SIFT: "Tolerated"; PolyPhen-2: "Probably Damaging"; Align-GVGD: "Class C0"). In summary, the available evidence is currently insufficient to determine the role of this variant in disease. Therefore, it has been classified as a Variant of Uncertain Significance.